The following is an entry in ClinVar:

ClinVar aggregate classification (germline): Pathogenic (1 of 4 stars; one submission).

Conditions:
Malan overgrowth syndrome (MALNS). Also called: Sotos syndrome 2; NFIX-Related Malan Syndrome; MALAN SYNDROME. Identifiers: Orphanet 420179, MedGen C3553660, MONDO:0013885, OMIM 614753.

Submission:

Institute of Human Genetics, University of Leipzig Medical Center
Classification: Pathogenic for Malan overgrowth syndrome. Last evaluated: 2025-09-16. Review status: criteria provided, single submitter. Criteria: ACMG Guidelines, 2015. Collection method: clinical testing. Allele origin: unknown. Inheritance: Autosomal dominant inheritance. Affected: yes.
Comment: Criteria applied: PVS1,PM2

NM_001365902.3(NFIX):c.623-2A>C

Gene: NFIX (nuclear factor I X; plus strand). Cytogenetic location: 19p13.13.
Variant type: single nucleotide variant.
Coding change: c.623-2A>C on transcript NM_001365902.3 (MANE Select); the canonical splice acceptor site of the intron before coding-DNA position 623, A replaced by C.
Molecular consequence: splice acceptor variant.
Genome position (GRCh38, 1-based): chr19:13,073,420, A>C. VCF-style: chr19-13073420-A-C. GRCh37 (hg19) VCF-style: chr19-13184234-A-C.
Other names: c.623-2A>C (NM_002501.4, NM_001365982.2); c.599-2A>C (NM_001378404.1, NM_001271044.3, NM_001440616.1 and 1 more transcripts); c.671-2A>C (NM_001378405.1); c.482-2A>C (NM_001365983.2); c.647-2A>C (NM_001271043.2); c.620-2A>C (NM_001365984.2, NM_001365985.2).
Identifiers: ClinVar variation 4291117 (VCV004291117.1).